The following is an entry in ClinVar:

ClinVar aggregate classification (germline): Uncertain significance. Review status: criteria provided, multiple submitters, no conflicts (2 of 4 stars). 2 submissions from 2 submitters: Uncertain significance (2). Last evaluated 2025-08-02.

Conditions:
Inborn genetic diseases. Identifiers: MedGen C0950123, MeSH D030342.
Glycogen storage disease IXb (GSD9B). Also called: GLYCOGENOSIS OF LIVER AND MUSCLE, AUTOSOMAL RECESSIVE; GSD IXb; PHOSPHORYLASE KINASE DEFICIENCY OF LIVER AND MUSCLE, AUTOSOMAL RECESSIVE. Identifiers: Orphanet 79240, MedGen C0543514, MONDO:0009868, OMIM 261750.

Allele frequency attached by ClinVar (database versions not stated): gnomAD exomes below 0.00001; TOPMed 0.00001.
gnomAD v4.1: 1 of 1,610,964 alleles (0.000062%); highest among the groups gnomAD compares: Admixed American, 0.0017%; no homozygotes.

Submissions (2):

Ambry Genetics
Classification: Uncertain significance for Inborn genetic diseases. Last evaluated: 2025-08-02. Review status: criteria provided, single submitter. Criteria: Ambry Variant Classification Scheme 2023. Collection method: clinical testing. Allele origin: germline.

Labcorp Genetics (formerly Invitae), Labcorp
Classification: Uncertain significance for Glycogen storage disease IXb. Last evaluated: 2022-07-30. Review status: criteria provided, single submitter. Criteria: Invitae Variant Classification Sherloc (09022015). Collection method: clinical testing. Allele origin: germline.
Comment: This sequence change replaces leucine, which is neutral and non-polar, with valine, which is neutral and non-polar, at codon 1016 of the PHKB protein (p.Leu1016Val). This variant is not present in population databases (gnomAD no frequency). This variant has not been reported in the literature in individuals affected with PHKB-related conditions. Algorithms developed to predict the effect of missense changes on protein structure and function are either unavailable or do not agree on the potential impact of this missense change (SIFT: "Deleterious"; PolyPhen-2: "Possibly Damaging"; Align-GVGD: "Class C0"). In summary, the available evidence is currently insufficient to determine the role of this variant in disease. Therefore, it has been classified as a Variant of Uncertain Significance.

NM_000293.3(PHKB):c.3046C>G (p.Leu1016Val)

Gene: PHKB (phosphorylase kinase regulatory subunit beta; plus strand). Cytogenetic location: 16q12.1.
Variant type: single nucleotide variant.
Coding change: c.3046C>G on transcript NM_000293.3 (MANE Select); coding-DNA position 3046, C replaced by G.
Protein change: p.Leu1016Val; replaces leucine 1016 with valine.
Molecular consequence: missense variant.
Genome position (GRCh38, 1-based): chr16:47,698,490, C>G. VCF-style: chr16-47698490-C-G. GRCh37 (hg19) VCF-style: chr16-47732401-C-G.
Other names: c.3025C>G, p.Leu1009Val (NM_001031835.3); c.3046C>G, p.Leu1016Val (NM_001363837.1); c.3046C>G (NM_000293.2); short protein forms L1009V, L1016V.
Identifiers: ClinVar variation 2415595 (VCV002415595.4), dbSNP rs1974190603, ClinGen allele CA396101504.